The following is an entry in ClinVar:

ClinVar aggregate classification (germline): Uncertain significance (1 of 4 stars; one submission).

Conditions:
Hereditary cancer-predisposing syndrome. Also called: Hereditary neoplastic syndrome; Neoplastic Syndromes, Hereditary; Tumor predisposition; Hereditary Cancer Syndrome. Identifiers: Orphanet 140162, MedGen C0027672, MeSH D009386, MONDO:0015356.

gnomAD v4.1: 1 of 1,614,102 alleles (0.000062%); highest among the groups gnomAD compares: Non-Finnish European, 0.000085%; no homozygotes.

Submission:

Ambry Genetics
Classification: Uncertain significance for Hereditary cancer-predisposing syndrome. Last evaluated: 2025-02-16. Review status: criteria provided, single submitter. Criteria: Ambry Variant Classification Scheme 2023. Collection method: clinical testing. Allele origin: germline.
Comment: The p.I1716M variant (also known as c.5148A>G), located in coding exon 23 of the DICER1 gene, results from an A to G substitution at nucleotide position 5148. The isoleucine at codon 1716 is replaced by methionine, an amino acid with highly similar properties. This amino acid position is conserved. In addition, this alteration is predicted to be deleterious by in silico analysis. Based on the available evidence, the clinical significance of this variant remains unclear.

NM_177438.3(DICER1):c.5148A>G (p.Ile1716Met)

Gene: DICER1 (dicer 1, ribonuclease III; minus strand). Cytogenetic location: 14q32.13.
Variant type: single nucleotide variant.
Coding change: c.5148A>G on transcript NM_177438.3 (MANE Select); coding-DNA position 5148, A replaced by G.
Protein change: p.Ile1716Met; replaces isoleucine 1716 with methionine.
Molecular consequence: missense variant. On other transcripts: non-coding transcript variant (6).
Genome position (GRCh38, 1-based): chr14:95,094,104, T>C on the plus strand (A>G on the coding strand, the complement: DICER1 is on the minus strand). VCF-style: chr14-95094104-T-C. GRCh37 (hg19) VCF-style: chr14-95560441-T-C.
Other names: c.5148A>G, p.Ile1716Met (NM_001195573.1, NM_001271282.3, NM_001291628.2 and 8 more transcripts); c.4866A>G, p.Ile1622Met (NM_001395686.1); c.4743A>G, p.Ile1581Met (NM_001395687.1, NM_001395688.1, NM_001395689.1 and 1 more transcripts); c.4581A>G, p.Ile1527Met (NM_001395691.1); c.3465A>G, p.Ile1155Met (NM_001395697.1); short protein forms I1527M, I1155M, I1622M, I1716M, I1581M.
Identifiers: ClinVar variation 3840036 (VCV003840036.1).